The following is an entry in ClinVar:

NM_001291303.3(FAT4):c.11693C>T (p.Ala3898Val)

Gene: FAT4 (FAT atypical cadherin 4; plus strand). Cytogenetic location: 4q28.1.
Variant type: single nucleotide variant.
Coding change: c.11693C>T on transcript NM_001291303.3 (MANE Select); coding-DNA position 11693, C replaced by T.
Protein change: p.Ala3898Val; replaces alanine 3898 with valine.
Molecular consequence: missense variant.
Genome position (GRCh38, 1-based): chr4:125,452,703, C>T. VCF-style: chr4-125452703-C-T. GRCh37 (hg19) VCF-style: chr4-126373858-C-T.
Other names: c.11693C>T, p.Ala3898Val (NM_001291285.3); c.11687C>T, p.Ala3896Val (NM_024582.6); short protein forms A3896V, A3898V.
Identifiers: ClinVar variation 514535 (VCV000514535.23), dbSNP rs138275098, ClinGen allele CA3073896.

ClinVar aggregate classification (germline): Conflicting classifications of pathogenicity. Review status: criteria provided, conflicting classifications (1 of 4 stars). 5 submissions from 5 submitters: Uncertain significance (1); Benign (1); Likely benign (2). 1 of the submissions does not count toward it. Last evaluated 2026-02-02.

Conditions:
FAT4-related disorder. Also called: FAT4-related condition.

Allele frequency attached by ClinVar (database versions not stated): ESP Exome Variant Server 0.00008; TOPMed 0.00045; gnomAD 0.00054; gnomAD exomes 0.00069; ExAC 0.00082; 1000 Genomes Project 30x 0.00265; 1000 Genomes Project 0.00280.
gnomAD v4.1: 738 of 1,613,994 alleles (0.046%); highest among the groups gnomAD compares: East Asian, 1.4%; 3 homozygotes.

Submissions (6):

Labcorp Genetics (formerly Invitae), Labcorp
Classification: Benign. Last evaluated: 2026-02-02. Review status: criteria provided, single submitter. Criteria: Invitae Variant Classification Sherloc (09022015). Collection method: clinical testing. Allele origin: germline.

CeGaT Center for Human Genetics Tuebingen
Classification: Likely benign. Last evaluated: 2025-11-01. Review status: criteria provided, single submitter. Criteria: CeGaT Center For Human Genetics Tuebingen Variant Classification Criteria Version 2. Collection method: clinical testing. Allele origin: germline. Affected: yes. Observed: 2 variant alleles.
Comment: FAT4: BS1

GeneDx
Classification: Likely benign. Last evaluated: 2020-06-23. Review status: criteria provided, single submitter. Criteria: GeneDx Variant Classification Process June 2021. Collection method: clinical testing. Allele origin: germline. Affected: yes.
Comment: This variant is associated with the following publications: (PMID: 30755392)

Center for Personalized Medicine, Children's Hospital Los Angeles
Classification: Uncertain significance. Last evaluated: 2018-11-19. Review status: criteria provided, single submitter. Criteria: ACMG Guidelines, 2015. Collection method: clinical testing. Allele origin: germline. Affected: yes.

PreventionGenetics, part of Exact Sciences
Classification: Likely benign for FAT4-related condition. Last evaluated: 2019-10-25. Review status: no assertion criteria provided. Collection method: clinical testing. Allele origin: germline. Not counted in ClinVar's aggregate classification.
Comment: This variant is classified as likely benign based on ACMG/AMP sequence variant interpretation guidelines (Richards et al. 2015 PMID: 25741868, with internal and published modifications).

Dr. Peter K. Rogan Lab, Western University
No classification provided (evidence only). Condition: Colorectal cancer. Review status: no classification provided. Collection method: in vitro. Allele origin: not applicable. Functional consequence: retained intron. Not counted in ClinVar's aggregate classification.